The following is an entry in ClinVar:

NM_004937.3(CTNS):c.1036G>A (p.Asp346Asn)

Gene: CTNS (cystinosin, lysosomal cystine transporter; plus strand). Cytogenetic location: 17p13.2.
Variant type: single nucleotide variant.
Coding change: c.1036G>A on transcript NM_004937.3 (MANE Select); coding-DNA position 1036, G replaced by A.
Protein change: p.Asp346Asn; replaces aspartic acid 346 with asparagine.
Molecular consequence: missense variant.
Genome position (GRCh38, 1-based): chr17:3,660,301, G>A. VCF-style: chr17-3660301-G-A. GRCh37 (hg19) VCF-style: chr17-3563595-G-A.
Other names: c.1036G>A, p.Asp346Asn (NM_001031681.3, NM_001374492.1); c.595G>A, p.Asp199Asn (NM_001374493.1, NM_001374494.1, NM_001374495.1 and 1 more transcripts); short protein forms D346N, D199N.
Identifiers: ClinVar variation 2196272 (VCV002196272.5), dbSNP rs757535731, ClinGen allele CA8292018.

ClinVar aggregate classification (germline): Uncertain significance. Review status: criteria provided, multiple submitters, no conflicts (2 of 4 stars). 3 submissions from 3 submitters: Uncertain significance (3). Last evaluated 2026-06-16.

Conditions:
Inborn genetic diseases. Identifiers: MedGen C0950123, MeSH D030342.
Ocular cystinosis. Also called: Non-Nephropathic Cystinosis; Non-Nephropathic (Ocular) Cystinosis. Identifiers: Orphanet 213, Orphanet 411641, MedGen C2931013, MONDO:0009064, OMIM 219750.
Juvenile nephropathic cystinosis. Also called: Intermediate Cystinosis; CYSTINOSIS, LATE-ONSET JUVENILE OR ADOLESCENT NEPHROPATHIC TYPE; Later-Onset (Juvenile) Cystinosis. Identifiers: Orphanet 213, Orphanet 411634, MedGen C0268626, MONDO:0009066, OMIM 219900.
Cystinosis. Also called: Cystine diathesis; Cystine storage disease; Cystinoses. Identifiers: Orphanet 213, MedGen C4316899, MONDO:0016239.

Allele frequency attached by ClinVar (database versions not stated): ExAC 0.00001; TOPMed below 0.00001.
gnomAD v4.1: 12 of 1,614,226 alleles (0.00074%); highest among the groups gnomAD compares: East Asian, 0.0022%; no homozygotes.

Submissions (3):

Myriad Genetics, Inc.
Classification: Uncertain significance for Cystinosis. Last evaluated: 2026-06-16. Review status: criteria provided, single submitter. Criteria: Myriad Autosomal Dominant, Autosomal Recessive and X-Linked Classification Criteria (2023). Collection method: clinical testing. Allele origin: unknown.
Comment: NM_004937.2(CTNS):c.1036G>A(D346N) is a missense variant classified as a variant of uncertain significance in the context of cystinosis. D346N has been observed in a case with relevant disease (PMID: 10556299). Relevant functional assessments of this variant are available in the literature (PMID: 15128704). D346N has been observed in referenced population frequency databases. In summary, there is insufficient evidence to classify NM_004937.2(CTNS):c.1036G>A(D346N) as pathogenic or benign. Please note: this variant was assessed in the context of healthy population screening.

Women's Health and Genetics/Laboratory Corporation of America, LabCorp
Classification: Uncertain significance. Last evaluated: 2025-12-08. Review status: criteria provided, single submitter. Criteria: LabCorp Variant Classification Summary - May 2015. Collection method: clinical testing. Allele origin: germline.
Comment: Variant summary: CTNS c.1036G>A (p.Asp346Asn) results in a conservative amino acid change in the encoded protein sequence. Algorithms developed to predict the effect of missense changes on protein structure and function are either unavailable or do not agree on the potential impact of this missense change. The variant allele was found at a frequency of 1.2e-05 in 251386 control chromosomes. The available data on variant occurrences in the general population are insufficient to allow any conclusion about variant significance. c.1036G>A has been observed in an individual affected with non-classical cystinosis (Attard_1999). These data do not allow any conclusion about variant significance. At least one publication reports experimental evidence evaluating an impact on protein function. The most pronounced variant effect resulted in approximately 61% of the wild type cystine transport activity (Kalatzis_2004). The following publications have been ascertained in the context of this evaluation (PMID: 10556299, 15128704). ClinVar contains an entry for this variant (Variation ID: 2196272). Based on the evidence outlined above, the variant was classified as uncertain significance.

Labcorp Genetics (formerly Invitae), Labcorp
Classification: Uncertain significance for Inborn genetic diseases; Ocular cystinosis; Juvenile nephropathic cystinosis. Last evaluated: 2024-04-17. Review status: criteria provided, single submitter. Criteria: Invitae Variant Classification Sherloc (09022015). Collection method: clinical testing. Allele origin: germline.
Comment: This sequence change replaces aspartic acid, which is acidic and polar, with asparagine, which is neutral and polar, at codon 346 of the CTNS protein (p.Asp346Asn). This variant is present in population databases (rs757535731, gnomAD 0.003%). This missense change has been observed in individual(s) with cystinosis (PMID: 10556299). This variant is also known as 1375G>A. ClinVar contains an entry for this variant (Variation ID: 2196272). Advanced modeling of protein sequence and biophysical properties (such as structural, functional, and spatial information, amino acid conservation, physicochemical variation, residue mobility, and thermodynamic stability) performed at Invitae indicates that this missense variant is not expected to disrupt CTNS protein function with a negative predictive value of 80%. Experimental studies are conflicting or provide insufficient evidence to determine the effect of this variant on CTNS function (PMID: 15128704). In summary, the available evidence is currently insufficient to determine the role of this variant in disease. Therefore, it has been classified as a Variant of Uncertain Significance.

Literature cited by the submitters: PubMed 10556299 (cited by 3 submitters); PubMed 15128704 (cited by 3 submitters).